The following is an entry in ClinVar:

ClinVar aggregate classification (germline): Uncertain significance. Review status: criteria provided, multiple submitters, no conflicts (2 of 4 stars). 2 submissions from 2 submitters: Uncertain significance (2). Last evaluated 2023-06-29.

Conditions:
Rhabdoid tumor predisposition syndrome 2 (RTPS2). Identifiers: Orphanet 231108, Orphanet 69077, MedGen C2750074, MONDO:0013224, OMIM 613325.
Hereditary cancer-predisposing syndrome. Also called: Neoplastic Syndromes, Hereditary; Tumor predisposition; Hereditary neoplastic syndrome; Hereditary Cancer Syndrome. Identifiers: Orphanet 140162, MedGen C0027672, MeSH D009386, MONDO:0015356.

Allele frequency attached by ClinVar (database versions not stated): gnomAD exomes below 0.00001; ExAC 0.00001.
gnomAD v4.1: 1 of 1,613,434 alleles (0.000062%); no homozygotes.

Submissions (2):

Ambry Genetics
Classification: Uncertain significance for Hereditary cancer-predisposing syndrome. Last evaluated: 2023-06-29. Review status: criteria provided, single submitter. Criteria: Ambry Variant Classification Scheme 2023. Collection method: clinical testing. Allele origin: germline.
Comment: The p.P14T variant (also known as c.40C>A), located in coding exon 1 of the SMARCA4 gene, results from a C to A substitution at nucleotide position 40. The proline at codon 14 is replaced by threonine, an amino acid with highly similar properties. This amino acid position is highly conserved in available vertebrate species. In addition, the in silico prediction for this alteration is inconclusive. Missense and in-frame variants in SMARCA4 are known to cause neurodevelopmental disorders; however, such associations with rhabdoid tumor predisposition syndrome including small cell carcinoma of the ovary-hypercalcemic type (SCCOHT) are exceedingly rare (Kosho T et al. Am J Med Genet C Semin Med Genet. 2014 Sep;166C(3):262-75; Jelinic P et al. Nat Genet. 2014 May;46(5):424-6). Based on the supporting evidence, the association of this alteration with Coffin-Siris syndrome is unknown; however, the association of this alteration with rhabdoid tumor predisposition syndrome is unlikely.

Labcorp Genetics (formerly Invitae), Labcorp
Classification: Uncertain significance for Rhabdoid tumor predisposition syndrome 2. Last evaluated: 2020-11-07. Review status: criteria provided, single submitter. Criteria: Invitae Variant Classification Sherloc (09022015). Collection method: clinical testing. Allele origin: germline.
Comment: In summary, the available evidence is currently insufficient to determine the role of this variant in disease. Therefore, it has been classified as a Variant of Uncertain Significance. This variant has not been reported in the literature in individuals with SMARCA4-related disease. This variant is present in population databases (rs754291337, ExAC 0.002%). This sequence change replaces proline with threonine at codon 14 of the SMARCA4 protein (p.Pro14Thr). The proline residue is highly conserved and there is a small physicochemical difference between proline and threonine.

NM_003072.5(SMARCA4):c.40C>A (p.Pro14Thr)

Gene: SMARCA4 (SWI/SNF related BAF chromatin remodeling complex subunit ATPase 4; plus strand). Cytogenetic location: 19p13.2.
Variant type: single nucleotide variant.
Coding change: c.40C>A on transcript NM_003072.5 (MANE Select); coding-DNA position 40, C replaced by A.
Protein change: p.Pro14Thr; replaces proline 14 with threonine.
Molecular consequence: missense variant. On other transcripts: non-coding transcript variant (1).
Genome position (GRCh38, 1-based): chr19:10,984,191, C>A. VCF-style: chr19-10984191-C-A. GRCh37 (hg19) VCF-style: chr19-11094867-C-A.
Other names: c.40C>A, p.Pro14Thr (NM_001128844.3, NM_001128845.2, NM_001128846.2 and 5 more transcripts); short protein forms P14T.
Identifiers: ClinVar variation 566333 (VCV000566333.11), dbSNP rs754291337, ClinGen allele CA9203387.